The following is an entry in ClinVar:

NM_015268.4(DNAJC13):c.5060T>C (p.Ile1687Thr)

Gene: DNAJC13 (DnaJ heat shock protein family (Hsp40) member C13; plus strand). Cytogenetic location: 3q22.1.
Variant type: single nucleotide variant.
Coding change: c.5060T>C on transcript NM_015268.4 (MANE Select); coding-DNA position 5060, T replaced by C.
Protein change: p.Ile1687Thr; replaces isoleucine 1687 with threonine.
Molecular consequence: missense variant.
Genome position (GRCh38, 1-based): chr3:132,507,298, T>C. VCF-style: chr3-132507298-T-C. GRCh37 (hg19) VCF-style: chr3-132226142-T-C.
Other names: c.5075T>C, p.Ile1692Thr (NM_001329126.2); short protein forms I1687T, I1692T.
Identifiers: ClinVar variation 4661335 (VCV004661335.2).

ClinVar aggregate classification (germline): Uncertain significance. Review status: criteria provided, multiple submitters, no conflicts (2 of 4 stars). 2 submissions from 2 submitters: Uncertain significance (2). Last evaluated 2025-11-20.

Conditions:
DNAJC13-related disorder. Also called: DNAJC13-related condition.

gnomAD v4.1: 10 of 1,613,566 alleles (0.00062%); highest among the groups gnomAD compares: Admixed American, 0.0033%; no homozygotes.

Submissions (2):

Ambry Genetics
Classification: Uncertain significance. Last evaluated: 2025-11-20. Review status: criteria provided, single submitter. Criteria: Ambry Variant Classification Scheme 2023. Collection method: clinical testing. Allele origin: germline.

PreventionGenetics, part of Exact Sciences
Classification: Uncertain significance for DNAJC13-related condition. Last evaluated: 2025-04-03. Review status: criteria provided, single submitter. Criteria: ACMG Guidelines, 2015. Collection method: clinical testing. Allele origin: germline.
Comment: The DNAJC13 c.5060T>C variant is predicted to result in the amino acid substitution p.Ile1687Thr. To our knowledge, this variant has not been reported in the literature. This variant is reported in 0.0062% of alleles in individuals of African descent in gnomAD. At this time, the clinical significance of this variant is uncertain due to the absence of conclusive functional and genetic evidence.